The following is an entry in ClinVar:

NM_181486.4(TBX5):c.629_632dup (p.Ile212fs)

Gene: TBX5 (T-box transcription factor 5; minus strand). Cytogenetic location: 12q24.21.
Variant type: Duplication.
Coding change: c.629_632dup on transcript NM_181486.4 (MANE Select); coding-DNA positions 629 to 632, 4 bases duplicated (CGTT; older notation c.629_632dupCGTT).
Protein change: p.Ile212fs; shifts the reading frame from isoleucine 212.
Molecular consequence: frameshift variant.
Genome position (GRCh38, 1-based): chr12:114,394,772-114,394,775, AACG duplicated on the plus strand (CGTT on the coding strand, the reverse complement: TBX5 is on the minus strand). VCF-style (leftmost placement, unchanged base first): chr12-114394771-A-AAACG. GRCh37 (hg19) VCF-style: chr12-114832576-A-AAACG.
Other names: c.629_632dupCGTT (NM_000192.3); c.629_632dup, p.Ile212fs (NM_000192.3); c.479_482dup, p.Ile162fs (NM_080717.4); short protein forms I212fs, I162fs.
Identifiers: ClinVar variation 477658 (VCV000477658.6), dbSNP rs1555225989, ClinGen allele CA658658168.

ClinVar aggregate classification (germline): Pathogenic (1 of 4 stars; one submission).

Conditions:
Aortic valve disease 2 (AOVD2). Identifiers: MedGen C3542024, MONDO:0013902, OMIM 614823.

Submission:

Labcorp Genetics (formerly Invitae), Labcorp
Classification: Pathogenic for Aortic valve disease 2. Last evaluated: 2017-03-11. Review status: criteria provided, single submitter. Criteria: Invitae Variant Classification Sherloc (09022015). Collection method: clinical testing. Allele origin: germline.
Comment: For these reasons, this variant has been classified as Pathogenic. While this particular variant has not been reported in the literature, loss-of-function variants in TBX5 are known to be pathogenic (PMID: 16917909, 16183809). This sequence change inserts 4 nucleotides in exon 6 of the TBX5 mRNA (c.629_632dupCGTT), causing a frameshift at codon 212. This creates a premature translational stop signal (p.Ile212Valfs*18) and is expected to result in an absent or disrupted protein product.

Literature cited by the submitters: PubMed 16917909; PubMed 16183809.